The following is an entry in ClinVar:

NM_001388492.1(HTT):c.8461G>A (p.Val2821Met)

Gene: HTT (huntingtin; plus strand). Cytogenetic location: 4p16.3.
Variant type: single nucleotide variant.
Coding change: c.8461G>A on transcript NM_001388492.1 (MANE Select); coding-DNA position 8461, G replaced by A.
Protein change: p.Val2821Met; replaces valine 2821 with methionine.
Molecular consequence: missense variant.
Genome position (GRCh38, 1-based): chr4:3,235,288, G>A. VCF-style: chr4-3235288-G-A. GRCh37 (hg19) VCF-style: chr4-3237015-G-A.
Other names: c.8467G>A, p.Val2823Met (NM_002111.8); short protein forms V2823M, V2821M.
Identifiers: ClinVar variation 1437815 (VCV001437815.6), dbSNP rs761469680, ClinGen allele CA356101374.

ClinVar aggregate classification (germline): Uncertain significance (1 of 4 stars; one submission).

Allele frequency attached by ClinVar (database versions not stated): gnomAD exomes below 0.00001; gnomAD 0.00001; TOPMed 0.00001.
gnomAD v4.1: 15 of 1,610,962 alleles (0.00093%); highest among the groups gnomAD compares: East Asian, 0.0067%; no homozygotes.

Submission:

Labcorp Genetics (formerly Invitae), Labcorp
Classification: Uncertain significance. Last evaluated: 2022-08-16. Review status: criteria provided, single submitter. Criteria: Invitae Variant Classification Sherloc (09022015). Collection method: clinical testing. Allele origin: germline.
Comment: In summary, the available evidence is currently insufficient to determine the role of this variant in disease. Therefore, it has been classified as a Variant of Uncertain Significance. Experimental studies and prediction algorithms are not available or were not evaluated, and the functional significance of this variant is currently unknown. ClinVar contains an entry for this variant (Variation ID: 1437815). This variant has not been reported in the literature in individuals affected with HTT-related conditions. This variant is present in population databases (no rsID available, gnomAD 0.007%). This sequence change replaces valine, which is neutral and non-polar, with methionine, which is neutral and non-polar, at codon 2823 of the HTT protein (p.Val2823Met).